The following is an entry in ClinVar:

ClinVar aggregate classification (germline): Uncertain significance (1 of 4 stars; one submission).

Conditions:
RASopathy. Also called: rasopathies; Noonan spectrum disorder. Identifiers: Orphanet 536391, MedGen C5555857, MONDO:0021060.

gnomAD v4.1: 1 of 1,608,920 alleles (0.000062%); no homozygotes.

Submission:

Labcorp Genetics (formerly Invitae), Labcorp
Classification: Uncertain significance for RASopathy. Last evaluated: 2023-09-10. Review status: criteria provided, single submitter. Criteria: Invitae Variant Classification Sherloc (09022015). Collection method: clinical testing. Allele origin: germline.
Comment: An algorithm developed to predict the effect of missense changes on protein structure and function (PolyPhen-2) suggests that this variant is likely to be tolerated. This sequence change replaces threonine, which is neutral and polar, with lysine, which is basic and polar, at codon 183 of the KRAS protein (p.Thr183Lys). The frequency data for this variant in the population databases is considered unreliable, as metrics indicate poor data quality at this position in the gnomAD database. This variant has not been reported in the literature in individuals affected with KRAS-related conditions. In summary, the available evidence is currently insufficient to determine the role of this variant in disease. Therefore, it has been classified as a Variant of Uncertain Significance.

NM_004985.5(KRAS):c.548C>A (p.Thr183Lys)

Gene: KRAS (KRAS proto-oncogene, GTPase; minus strand). Cytogenetic location: 12p12.1.
Variant type: single nucleotide variant.
Coding change: c.548C>A on transcript NM_004985.5 (MANE Select); coding-DNA position 548, C replaced by A.
Protein change: p.Thr183Lys; replaces threonine 183 with lysine.
Molecular consequence: missense variant. On other transcripts: 3 prime UTR variant (2).
Genome position (GRCh38, 1-based): chr12:25,209,814, G>T on the plus strand (C>A on the coding strand, the complement: KRAS is on the minus strand). VCF-style: chr12-25209814-G-T. GRCh37 (hg19) VCF-style: chr12-25362748-G-T.
Other names: c.*102C>A (NM_001369786.1, NM_033360.4); c.548C>A, p.Thr183Lys (NM_001369787.1); short protein forms T183K.
Identifiers: ClinVar variation 2759640 (VCV002759640.3), dbSNP rs1256144582, ClinGen allele CA384148318.